The following is an entry in ClinVar:

NM_001142864.4(PIEZO1):c.3629C>T (p.Ala1210Val)

Gene: PIEZO1 (piezo type mechanosensitive ion channel component 1 (Er blood group); minus strand). Cytogenetic location: 16q24.3.
Variant type: single nucleotide variant.
Coding change: c.3629C>T on transcript NM_001142864.4 (MANE Select); coding-DNA position 3629, C replaced by T.
Protein change: p.Ala1210Val; replaces alanine 1210 with valine.
Molecular consequence: missense variant.
Genome position (GRCh38, 1-based): chr16:88,726,785, G>A on the plus strand (C>T on the coding strand, the complement: PIEZO1 is on the minus strand). VCF-style: chr16-88726785-G-A. GRCh37 (hg19) VCF-style: chr16-88793193-G-A.
Other names: short protein forms A1210V.
Identifiers: ClinVar variation 4821895 (VCV004821895.4).

ClinVar aggregate classification (germline): Uncertain significance (1 of 4 stars; one submission).

gnomAD v4.1: 61 of 1,550,086 alleles (0.0039%); highest among the groups gnomAD compares: South Asian, 0.0083%; no homozygotes.

Submission:

CeGaT Center for Human Genetics Tuebingen
Classification: Uncertain significance. Last evaluated: 2026-03-01. Review status: criteria provided, single submitter. Criteria: CeGaT Center For Human Genetics Tuebingen Variant Classification Criteria Version 2. Collection method: clinical testing. Allele origin: germline. Affected: yes. Observed: 1 variant allele.
Comment: PIEZO1: PM2:Supporting, PS4:Supporting, BP4